The following is an entry in ClinVar:

ClinVar aggregate classification (germline): Likely pathogenic (1 of 4 stars; one submission).

Conditions:
Neurodevelopmental disorder with nonspecific brain abnormalities and with or without seizures. Identifiers: MedGen C5231470, MONDO:0032877, OMIM 618709.

Submission:

Juno Genomics, Hangzhou Juno Genomics, Inc
Classification: Likely pathogenic for Neurodevelopmental disorder with nonspecific brain abnormalities and with or without seizures. Review status: criteria provided, single submitter. Criteria: ACMG Guidelines, 2015. Collection method: clinical testing. Allele origin: germline. Affected: yes.
Comment: Absent from controls (or at extremely low frequency if recessive) in Genome Aggregation Database.;Null variant in a gene where loss of function (LOF) is a known mechanism of disease.

NM_005618.4(DLL1):c.1079del (p.Gly360fs)

Gene: DLL1 (delta like canonical Notch ligand 1; minus strand). Cytogenetic location: 6q27.
Variant type: Deletion.
Coding change: c.1079del on transcript NM_005618.4 (MANE Select); coding-DNA position 1079, one base deleted (G; older notation c.1079delG).
Protein change: p.Gly360fs; shifts the reading frame from glycine 360.
Molecular consequence: frameshift variant.
Genome position (GRCh38, 1-based): chr6:170,285,089, C deleted on the plus strand (G on the coding strand, the reverse complement: DLL1 is on the minus strand); the first of 2 consecutive C bases (chr6:170,285,089-170,285,090); deleting either gives the same sequence. VCF-style (leftmost placement, unchanged base first): chr6-170285088-GC-G. GRCh37 (hg19) VCF-style: chr6-170594176-GC-G.
Other names: short protein forms G360fs.
Identifiers: ClinVar variation 5018766 (VCV005018766.1).
Genomic context (GRCh38, chr6:170,285,088, plus strand): 5'-CCGACCCCCGTTAAAGCAAGGGCCGTCCGCACAGGTCATGGCACTCAATTCACAGATTTT[GC>G]CGTAGAAGCCGGGTGGGCAGGTACAGGAGTAGCTGTTCTCGAGATCCTACACGATGGAGA-3'